The following is an entry in ClinVar:

ClinVar aggregate classification (germline): Uncertain significance (1 of 4 stars; one submission).

gnomAD v4.1: 18 of 1,613,218 alleles (0.0011%); highest among the groups gnomAD compares: Admixed American, 0.005%; no homozygotes.

Submission:

Labcorp Genetics (formerly Invitae), Labcorp
Classification: Uncertain significance. Last evaluated: 2025-10-23. Review status: criteria provided, single submitter. Criteria: Invitae Variant Classification Sherloc (09022015). Collection method: clinical testing. Allele origin: germline.
Comment: This sequence change replaces serine, which is neutral and polar, with phenylalanine, which is neutral and non-polar, at codon 2 of the CRKL protein (p.Ser2Phe). This variant is present in population databases (rs745921293, gnomAD 0.003%). This variant has not been reported in the literature in individuals affected with CRKL-related conditions. Experimental studies and prediction algorithms are not available or were not evaluated, and the functional significance of this variant is currently unknown. In summary, the available evidence is currently insufficient to determine the role of this variant in disease. Therefore, it has been classified as a Variant of Uncertain Significance.

NM_005207.4(CRKL):c.5C>T (p.Ser2Phe)

Gene: CRKL (CRK like proto-oncogene, adaptor protein; plus strand). Cytogenetic location: 22q11.21.
Variant type: single nucleotide variant.
Coding change: c.5C>T on transcript NM_005207.4 (MANE Select); coding-DNA position 5, C replaced by T.
Protein change: p.Ser2Phe; replaces serine 2 with phenylalanine.
Molecular consequence: missense variant. On other transcripts: non-coding transcript variant (1).
Genome position (GRCh38, 1-based): chr22:20,917,939, C>T. VCF-style: chr22-20917939-C-T. GRCh37 (hg19) VCF-style: chr22-21272227-C-T.
Other names: short protein forms S2F.
Identifiers: ClinVar variation 4743548 (VCV004743548.1).